The following is an entry in ClinVar:

NM_000053.4(ATP7B):c.4124+4A>G

Gene: ATP7B (ATPase copper transporting beta; minus strand). Cytogenetic location: 13q14.3.
Variant type: single nucleotide variant.
Coding change: c.4124+4A>G on transcript NM_000053.4 (MANE Select); 4 bases into the intron after coding-DNA position 4124, A replaced by G.
Molecular consequence: intron variant.
Genome position (GRCh38, 1-based): chr13:51,935,589, T>C on the plus strand (A>G on the coding strand, the complement: ATP7B is on the minus strand). VCF-style: chr13-51935589-T-C. GRCh37 (hg19) VCF-style: chr13-52509725-T-C.
Other names: c.3791+4A>G (NM_001243182.2); c.3503+4A>G (NM_001005918.3); c.3872+4A>G (NM_001330579.2); c.3890+4A>G (NM_001330578.2).
Identifiers: ClinVar variation 1163063 (VCV001163063.7), dbSNP rs2138450931, ClinGen allele CA2499222482.

ClinVar aggregate classification (germline): Uncertain significance. Review status: criteria provided, multiple submitters, no conflicts (2 of 4 stars). 3 submissions from 3 submitters: Uncertain significance (3). Last evaluated 2024-08-29.

Conditions:
Wilson disease (WND). Also called: Wilson's disease. Identifiers: Orphanet 905, MedGen C0019202, MONDO:0010200, OMIM 277900. Disease mechanism: loss of function.

Submissions (3):

Lildballe Lab, Aarhus University Hospital
Classification: Uncertain significance for Wilson disease. Last evaluated: 2024-08-29. Review status: criteria provided, single submitter. Criteria: ACMG Guidelines, 2015. Collection method: clinical testing. Allele origin: germline. Affected: yes.
Comment: PM2, PP3

All of Us Research Program, National Institutes of Health
Classification: Uncertain significance for Wilson disease. Last evaluated: 2023-10-23. Review status: criteria provided, single submitter. Criteria: ACMG Guidelines, 2015. Collection method: clinical testing. Allele origin: germline. Inheritance: Autosomal recessive inheritance. Observed: 1 variant allele, 1 heterozygote.
Comment: This variant causes an A to G nucleotide substitution at the +4 position of intron 20 of the ATP7B gene. Splice site prediction tools predict that this variant may have a significant impact on RNA splicing. To our knowledge, RNA studies have not been reported for this variant. This variant has been reported in individuals affected with Wilson disease (PMID: 30655162, 35782615). This variant has not been identified in the general population by the Genome Aggregation Database (gnomAD). The available evidence is insufficient to determine the role of this variant in disease conclusively. Therefore, this variant is classified as a Variant of Uncertain Significance.

This study involves interpretation of variants in research participants for the purpose of population health screening. Participant phenotype was not available at the time of variant classification. Additional details can be found in publication PMID: 35346344, PMCID: PMC8962531

Mayo Clinic Laboratories, Mayo Clinic
Classification: Uncertain significance. Last evaluated: 2020-01-20. Review status: criteria provided, single submitter. Criteria: ACMG Guidelines, 2015. Collection method: clinical testing. Allele origin: germline. Observed: 1 variant allele.

Literature cited by the submitters: PubMed 30655162 (cited by All of Us Research Program, National Institutes of Health); PubMed 35782615 (cited by All of Us Research Program, National Institutes of Health).